The following is an entry in ClinVar:

ClinVar aggregate classification (germline): Uncertain significance (1 of 4 stars; one submission).

Allele frequency attached by ClinVar (database versions not stated): gnomAD exomes below 0.00001.
gnomAD v4.1: 2 of 1,613,280 alleles (0.00012%); highest among the groups gnomAD compares: Non-Finnish European, 0.00017%; no homozygotes.

Submission:

Labcorp Genetics (formerly Invitae), Labcorp
Classification: Uncertain significance. Last evaluated: 2023-04-28. Review status: criteria provided, single submitter. Criteria: Invitae Variant Classification Sherloc (09022015). Collection method: clinical testing. Allele origin: germline.
Comment: In summary, the available evidence is currently insufficient to determine the role of this variant in disease. Therefore, it has been classified as a Variant of Uncertain Significance. Algorithms developed to predict the effect of missense changes on protein structure and function output the following: SIFT: "Not Available"; PolyPhen-2: "Benign"; Align-GVGD: "Not Available". The aspartic acid amino acid residue is found in multiple mammalian species, which suggests that this missense change does not adversely affect protein function. This variant has not been reported in the literature in individuals affected with ENPP1-related conditions. This variant is not present in population databases (gnomAD no frequency). This sequence change replaces asparagine, which is neutral and polar, with aspartic acid, which is acidic and polar, at codon 330 of the ENPP1 protein (p.Asn330Asp).

NM_006208.3(ENPP1):c.988A>G (p.Asn330Asp)

Gene: ENPP1 (ectonucleotide pyrophosphatase/phosphodiesterase 1; plus strand). Cytogenetic location: 6q23.2.
Variant type: single nucleotide variant.
Coding change: c.988A>G on transcript NM_006208.3 (MANE Select); coding-DNA position 988, A replaced by G.
Protein change: p.Asn330Asp; replaces asparagine 330 with aspartic acid.
Molecular consequence: missense variant.
Genome position (GRCh38, 1-based): chr6:131,861,667, A>G. VCF-style: chr6-131861667-A-G. GRCh37 (hg19) VCF-style: chr6-132182807-A-G.
Other names: short protein forms N330D.
Identifiers: ClinVar variation 2819367 (VCV002819367.3), dbSNP rs2483479389, ClinGen allele CA365669482.
Genomic context (GRCh38, chr6:131,861,667, plus strand): 5'-GCTAAGTATCAAGGCCTCAAGTCTGGCACATTTTTCTGGCCAGGATCAGATGTGGAAATT[A>G]ACGGAATTTTCCCAGACATCTATAAAATGTATAATGGGTATGTGAAATGAATTTTTTCTA-3'
Protein context (NP_006199.2, residues 320-340): FFWPGSDVEI[Asn330Asp]GIFPDIYKMY